The following is an entry in ClinVar:

NM_003839.4(TNFRSF11A):c.68G>T (p.Arg23Leu)

Gene: TNFRSF11A (TNF receptor superfamily member 11a; plus strand). Cytogenetic location: 18q21.33.
Variant type: single nucleotide variant.
Coding change: c.68G>T on transcript NM_003839.4 (MANE Select); coding-DNA position 68, G replaced by T.
Protein change: p.Arg23Leu; replaces arginine 23 with leucine.
Molecular consequence: missense variant.
Genome position (GRCh38, 1-based): chr18:62,325,420, G>T. VCF-style: chr18-62325420-G-T. GRCh37 (hg19) VCF-style: chr18-59992653-G-T.
Other names: c.68G>T, p.Arg23Leu (NM_001270949.2, NM_001270950.2, NM_001270951.2 and 1 more transcripts); short protein forms R23L.
Identifiers: ClinVar variation 2969209 (VCV002969209.3), dbSNP rs886054083, ClinGen allele CA402618784.

ClinVar aggregate classification (germline): Uncertain significance (1 of 4 stars; one submission).

Allele frequency attached by ClinVar (database versions not stated): gnomAD 0.00001.

Submission:

Labcorp Genetics (formerly Invitae), Labcorp
Classification: Uncertain significance. Last evaluated: 2025-03-12. Review status: criteria provided, single submitter. Criteria: Invitae Variant Classification Sherloc (09022015). Collection method: clinical testing. Allele origin: germline.
Comment: This sequence change replaces arginine, which is basic and polar, with leucine, which is neutral and non-polar, at codon 23 of the TNFRSF11A protein (p.Arg23Leu). This variant is not present in population databases (gnomAD no frequency). This variant has not been reported in the literature in individuals affected with TNFRSF11A-related conditions. ClinVar contains an entry for this variant (Variation ID: 2969209). Invitae Evidence Modeling of protein sequence and biophysical properties (such as structural, functional, and spatial information, amino acid conservation, physicochemical variation, residue mobility, and thermodynamic stability) indicates that this missense variant is not expected to disrupt TNFRSF11A protein function with a negative predictive value of 80%. In summary, the available evidence is currently insufficient to determine the role of this variant in disease. Therefore, it has been classified as a Variant of Uncertain Significance.